The following is an entry in ClinVar:

ClinVar aggregate classification (germline): Uncertain significance (1 of 4 stars; one submission).

Conditions:
Hereditary cancer-predisposing syndrome. Also called: Tumor predisposition; Hereditary neoplastic syndrome; Neoplastic Syndromes, Hereditary; Hereditary Cancer Syndrome. Identifiers: Orphanet 140162, MedGen C0027672, MeSH D009386, MONDO:0015356.

Submission:

Ambry Genetics
Classification: Uncertain significance for Hereditary cancer-predisposing syndrome. Last evaluated: 2025-06-03. Review status: criteria provided, single submitter. Criteria: Ambry Variant Classification Scheme 2023. Collection method: clinical testing. Allele origin: germline.
Comment: The p.K31T variant (also known as c.92A>C), located in coding exon 1 of the BLM gene, results from an A to C substitution at nucleotide position 92. The lysine at codon 31 is replaced by threonine, an amino acid with similar properties. This amino acid position is conserved. In addition, the in silico prediction for this alteration is inconclusive. Based on the available evidence, the clinical significance of this variant remains unclear.

NM_000057.4(BLM):c.92A>C (p.Lys31Thr)

Gene: BLM (BLM RecQ like helicase; plus strand). Cytogenetic location: 15q26.1.
Variant type: single nucleotide variant.
Coding change: c.92A>C on transcript NM_000057.4 (MANE Select); coding-DNA position 92, A replaced by C.
Protein change: p.Lys31Thr; replaces lysine 31 with threonine.
Molecular consequence: missense variant. On other transcripts: 5 prime UTR variant (1).
Genome position (GRCh38, 1-based): chr15:90,747,484, A>C. VCF-style: chr15-90747484-A-C. GRCh37 (hg19) VCF-style: chr15-91290714-A-C.
Other names: c.92A>C, p.Lys31Thr (NM_001287246.2, NM_001287247.2); c.-1200A>C (NM_001287248.2); short protein forms K31T.
Identifiers: ClinVar variation 3991687 (VCV003991687.1).
Genomic context (GRCh38, chr15:90,747,484, plus strand): 5'-AGCAACTAGAACGTCACTCAGCCAGAACACTTAATAATAAATTAAGTCTTTCAAAACCAA[A>C]ATTTTCGTAAGTGTTTTGACTGGTTTGCTGTCACATAGGCACTAACTTACCACATTGTAC-3'
Protein context (NP_000048.1, residues 21-41): LNNKLSLSKP[Lys31Thr]FSGFTFKKKT